The following is an entry in ClinVar:

NM_018026.4(PACS1):c.47G>A (p.Gly16Asp)

Gene: PACS1 (phosphofurin acidic cluster sorting protein 1; plus strand). Cytogenetic location: 11q13.1.
Variant type: single nucleotide variant.
Coding change: c.47G>A on transcript NM_018026.4 (MANE Select); coding-DNA position 47, G replaced by A.
Protein change: p.Gly16Asp; replaces glycine 16 with aspartic acid.
Molecular consequence: missense variant.
Genome position (GRCh38, 1-based): chr11:66,070,533, G>A. VCF-style: chr11-66070533-G-A. GRCh37 (hg19) VCF-style: chr11-65838004-G-A.
Other names: short protein forms G16D.
Identifiers: ClinVar variation 4882597 (VCV004882597.2).

ClinVar aggregate classification (germline): Uncertain significance (1 of 4 stars; one submission).

Conditions:
Schuurs-Hoeijmakers syndrome. Also called: PACS1-Related Neurodevelopmental Disorder. Identifiers: Orphanet 329224, MedGen C3554343, MONDO:0014006, OMIM 615009.

Submission:

Dasa
Classification: Uncertain significance for Schuurs-Hoeijmakers syndrome. Last evaluated: 2025-12-09. Review status: criteria provided, single submitter. Criteria: DASA Assertion Criteria. Collection method: clinical testing. Allele origin: germline.
Comment: NM_018026.4(PACS1):c.47G>A (p.Gly16Asp) is a missense variant that results in the substitution of glycine with aspartic acid. This variant is rare in population databases. Computational prediction algorithms are consistent with a benign effect. The currently available literature and clinical evidence are not sufficient to establish a definitive association between this variant and the reported condition. Therefore, this variant is classified as a variant of uncertain significance.